The following is an entry in ClinVar:

ClinVar aggregate classification (germline): Uncertain significance. Review status: criteria provided, multiple submitters, no conflicts (2 of 4 stars). 2 submissions from 2 submitters: Uncertain significance (2). Last evaluated 2026-08-31.

Conditions:
Autosomal recessive limb-girdle muscular dystrophy type 2A (LGMDR1). Also called: Calpainopathy; Limb-girdle muscular dystrophy, type 2A; LEYDEN-MOEBIUS MUSCULAR DYSTROPHY; MUSCULAR DYSTROPHY, PELVOFEMORAL; Muscular dystrophy, limb-girdle, type 2A, Amish. Identifiers: Orphanet 267, MedGen C1869123, MONDO:0009675, OMIM 253600. Disease mechanism: loss of function.

Submissions (2):

Myriad Genetics, Inc.
Classification: Uncertain significance for Autosomal recessive limb-girdle muscular dystrophy type 2A. Last evaluated: 2026-08-31. Review status: criteria provided, single submitter. Criteria: Myriad Autosomal Dominant, Autosomal Recessive and X-Linked Classification Criteria (2023). Collection method: clinical testing. Allele origin: unknown.
Comment: NM_000070.2(CAPN3):c.2384C>T(A795V) is a missense variant classified as a variant of uncertain significance in the context of calpainopathy. A795V has been observed in cases with relevant disease (PMID: 42477409, 26632398). Relevant functional assessments of this variant are not available in the literature. A795V has not been observed in referenced population frequency databases. In summary, there is insufficient evidence to classify NM_000070.2(CAPN3):c.2384C>T(A795V) as pathogenic or benign. Please note: this variant was assessed in the context of healthy population screening.

3billion
Classification: Uncertain significance for Autosomal recessive limb-girdle muscular dystrophy type 2A. Last evaluated: 2025-10-23. Review status: criteria provided, single submitter. Criteria: ACMG Guidelines, 2015. Collection method: clinical testing. Allele origin: germline. Affected: yes.
Comment: The variant is not observed in the gnomAD v4.1.0 dataset. Predicted Consequence/Location: Missense variant In silico tool predictions suggest damaging effect of the variant on gene or gene product [REVEL: 0.60 (>=0.6, sensitivity 0.68 and specificity 0.92); 3Cnet: 0.95 (> 0.75, sensitivity 0.96 and precision 0.92)]. Different missense changes at the same codon have been reported as of uncertain significance (ClinVar ID: VCV000285331, VCV002439730). Therefore, this variant is classified as VUS according to the recommendation of ACMG/AMP guideline.

Literature cited by the submitters: PubMed 26632398 (cited by Myriad Genetics, Inc.); PubMed 42477409 (cited by Myriad Genetics, Inc.).

NM_000070.3(CAPN3):c.2384C>T (p.Ala795Val)

Gene: CAPN3 (calpain 3; plus strand). Cytogenetic location: 15q15.1.
Variant type: single nucleotide variant.
Coding change: c.2384C>T on transcript NM_000070.3 (MANE Select); coding-DNA position 2384, C replaced by T.
Protein change: p.Ala795Val; replaces alanine 795 with valine.
Molecular consequence: missense variant.
Genome position (GRCh38, 1-based): chr15:42,411,290, C>T. VCF-style: chr15-42411290-C-T. GRCh37 (hg19) VCF-style: chr15-42703488-C-T.
Other names: c.848C>T, p.Ala283Val (NM_173088.2); c.389C>T, p.Ala130Val (NM_173089.2, NM_173090.2); c.2366C>T, p.Ala789Val (NM_024344.2); c.2108C>T, p.Ala703Val (NM_173087.2); short protein forms A130V, A283V, A703V, A789V, A795V.
Identifiers: ClinVar variation 4854144 (VCV004854144.2).
Genomic context (GRCh38, chr15:42,411,290, plus strand): 5'-AGTAGTAGAGGCGGAGTGCGCCTGTAACTGGCCTCTGGCCTGTGCATTCTTTCACAGGAG[C>T]TTTTCATGCATTTGACAAGGATGGAGATGGTATCATCAAGCTCAACGTTCTGGAGGTAAA-3'
Protein context (NP_000061.1, residues 785-805): CFVRLEGMFR[Ala795Val]FHAFDKDGDG